The following is an entry in ClinVar:

ClinVar aggregate classification (germline): Conflicting classifications of pathogenicity. Review status: criteria provided, conflicting classifications (1 of 4 stars). 8 submissions from 8 submitters: Uncertain significance (4); Likely benign (4). Last evaluated 2026-03-01.

Conditions:
Primary ciliary dyskinesia. Also called: Ciliary dyskinesia. Identifiers: Orphanet 244, MedGen C0008780, MONDO:0016575, HP:0012265.
Primary ciliary dyskinesia 7. Also called: CILIARY DYSKINESIA, PRIMARY, 7, WITH OR WITHOUT SITUS INVERSUS. Identifiers: Orphanet 244, MedGen C2678473, MONDO:0012748, OMIM 611884.

Allele frequency attached by ClinVar (database versions not stated): TOPMed 0.00089; ESP Exome Variant Server 0.00091; 1000 Genomes Project 0.00120; 1000 Genomes Project 30x 0.00141; gnomAD exomes 0.00144; ExAC 0.00148; gnomAD 0.00079 and 0.00088.
gnomAD v4.1: 1,946 of 1,613,956 alleles (0.12%); highest among the groups gnomAD compares: Middle Eastern, 0.5%; 6 homozygotes.

Submissions (8):

CeGaT Center for Human Genetics Tuebingen
Classification: Likely benign. Last evaluated: 2026-03-01. Review status: criteria provided, single submitter. Criteria: CeGaT Center For Human Genetics Tuebingen Variant Classification Criteria Version 2. Collection method: clinical testing. Allele origin: germline. Affected: yes. Observed: 3 variant alleles.
Comment: DNAH11: BS1

Labcorp Genetics (formerly Invitae), Labcorp
Classification: Likely benign for Primary ciliary dyskinesia. Last evaluated: 2026-01-27. Review status: criteria provided, single submitter. Criteria: Invitae Variant Classification Sherloc (09022015). Collection method: clinical testing. Allele origin: germline.

GeneDx
Classification: Uncertain significance. Last evaluated: 2025-11-02. Review status: criteria provided, single submitter. Criteria: GeneDx Variant Classification Process June 2021. Collection method: clinical testing. Allele origin: germline. Affected: yes.
Comment: Observed in a patient with features of primary ciliary dyskinesia who had a second DNAH11 variant; however, this patient was also homozygous for a pathogenic variant in DNAI1 which was consistent with the reported phenotype (PMID: 39004944); In silico analysis supports that this missense variant has a deleterious effect on protein structure/function; This variant is associated with the following publications: (PMID: 39004944, 40182617)

Blueprint Genetics
Classification: Likely benign. Last evaluated: 2024-11-08. Review status: criteria provided, single submitter. Criteria: ACMG Guidelines, 2015. Collection method: clinical testing. Allele origin: germline.

ARUP Laboratories, Molecular Genetics and Genomics, ARUP Laboratories
Classification: Likely benign for Primary ciliary dyskinesia 7. Last evaluated: 2024-01-03. Review status: criteria provided, single submitter. Criteria: ARUP Molecular Germline Variant Investigation Process 2024. Collection method: clinical testing. Allele origin: germline.

Johns Hopkins Genomics, Johns Hopkins University
Classification: Uncertain significance for Primary ciliary dyskinesia 7. Last evaluated: 2019-05-08. Review status: criteria provided, single submitter. Criteria: ACMG Guidelines, 2015. Collection method: clinical testing. Allele origin: germline.
Comment: This DNAH11 variant (rs142585703) has been identified in large population datasets and the minor allele frequency is neither low enough to consider the variant rare (<0.1%) nor high enough to consider it a population polymorphism (>1%) within a subpopulation (gnomAD global frequency: 379/280652 alleles; 0.1350%, no homozygotes). There are conflicting interpretations of the pathogenicity of this variant in ClinVar. Two submitters classified it as benign, one as likely benign and two as a variant of uncertain clinical significance. Two bioinformatic tools queried predict that this substitution would be probably damaging, and the proline residue at this position is evolutionarily conserved across most species assessed. Bioinformatic analysis predicts that this missense variant would not affect normal exon 77 splicing, although this has not been confirmed experimentally to our knowledge. Due to insufficient evidence that this variant is deleterious, the clinical significance of c.12632C>T is uncertain at this time.

Baylor Genetics
Classification: Uncertain significance for Primary ciliary dyskinesia 7. Last evaluated: 2019-03-23. Review status: criteria provided, single submitter. Criteria: ACMG Guidelines, 2015. Collection method: clinical testing. Allele origin: unknown. Affected: yes.
Comment: This variant was determined to be of uncertain significance according to ACMG Guidelines, 2015 [PMID:25741868].

Eurofins Ntd Llc (ga)
Classification: Uncertain significance. Last evaluated: 2018-03-15. Review status: criteria provided, single submitter. Criteria: EGL ClinVar v180209 classification definitions. Collection method: clinical testing. Allele origin: germline. Observed: 1 variant allele, 1 heterozygote.

NM_001277115.2(DNAH11):c.12632C>T (p.Pro4211Leu)

Gene: DNAH11 (dynein axonemal heavy chain 11; plus strand). Cytogenetic location: 7p15.3.
Variant type: single nucleotide variant.
Coding change: c.12632C>T on transcript NM_001277115.2 (MANE Select); coding-DNA position 12632, C replaced by T.
Protein change: p.Pro4211Leu; replaces proline 4211 with leucine.
Molecular consequence: missense variant.
Genome position (GRCh38, 1-based): chr7:21,892,549, C>T. VCF-style: chr7-21892549-C-T. GRCh37 (hg19) VCF-style: chr7-21932167-C-T.
Other names: short protein forms P4211L.
Identifiers: ClinVar variation 220048 (VCV000220048.70), dbSNP rs142585703, ClinGen allele CA348703.
Genomic context (GRCh38, chr7:21,892,549, plus strand): 5'-ACCACCAGTACATAGAGGAGATGCTTCCTCCAGAAAGCCCGGCACTGTATGGCCTCCACC[C>T]AAATGCTGAAATAGAATTCCTGACAGTGACATCCAACACTCTCTTCAGAACTTTGCTGGA-3'
Protein context (NP_001264044.1, residues 4201-4221): PESPALYGLH[Pro4211Leu]NAEIEFLTVT